The following is an entry in ClinVar:

ClinVar aggregate classification (germline): Uncertain significance. Review status: criteria provided, multiple submitters, no conflicts (2 of 4 stars). 2 submissions from 2 submitters: Uncertain significance (2). Last evaluated 2022-11-04.

Conditions:
Early-infantile DEE. Also called: Early infantile epileptic encephalopathy; Ohtahara syndrome; Early infantile epileptic encephalopathy with suppression bursts. Identifiers: Orphanet 1934, MedGen C0393706, MONDO:0800491.
SPTAN1-related disorder. Also called: SPTAN1-related disorders; SPTAN1-related condition.

Allele frequency attached by ClinVar (database versions not stated): gnomAD exomes below 0.00001.
gnomAD v4.1: 2 of 1,614,224 alleles (0.00012%); highest among the groups gnomAD compares: Non-Finnish European, 0.00017%; no homozygotes.

Submissions (2):

Clinical Genomics Laboratory, Stanford Medicine
Classification: Uncertain significance for SPTAN1-related disorder. Last evaluated: 2022-11-04. Review status: criteria provided, single submitter. Criteria: ACMG Guidelines, 2015. Collection method: clinical testing. Allele origin: de novo. Affected: yes. Observed: 1 variant allele, 1 heterozygote.
Comment: This variant was absent from large population databases, including the Genome Aggregation Database. The SPTAN1 gene has fewer missense variants in the general population than expected. A low rate of missense variation may suggest that this gene is intolerant to missense variation. The alanine at position 1710 is evolutionarily conserved. Computational tools predict that the p.Ala1710Thr variant is neither deleterious nor benign; however, the accuracy of in silico algorithms is limited. These data were assessed using the ACMG/AMP variant interpretation guidelines. In summary, the significance of the p.Ala1710Thr variant is uncertain. Additional information is needed to resolve the significance of this variant. [ACMG evidence codes used: PS2_Moderate; PM2; PP2]

Labcorp Genetics (formerly Invitae), Labcorp
Classification: Uncertain significance for Early-infantile DEE. Last evaluated: 2022-10-05. Review status: criteria provided, single submitter. Criteria: Invitae Variant Classification Sherloc (09022015). Collection method: clinical testing. Allele origin: germline.
Comment: In summary, the available evidence is currently insufficient to determine the role of this variant in disease. Therefore, it has been classified as a Variant of Uncertain Significance. This sequence change replaces alanine, which is neutral and non-polar, with threonine, which is neutral and polar, at codon 1710 of the SPTAN1 protein (p.Ala1710Thr). This variant is not present in population databases (gnomAD no frequency). This variant has not been reported in the literature in individuals affected with SPTAN1-related conditions. Advanced modeling of protein sequence and biophysical properties (such as structural, functional, and spatial information, amino acid conservation, physicochemical variation, residue mobility, and thermodynamic stability) has been performed at Invitae for this missense variant, however the output from this modeling did not meet the statistical confidence thresholds required to predict the impact of this variant on SPTAN1 protein function.

NM_001130438.3(SPTAN1):c.5128G>A (p.Ala1710Thr)

Gene: SPTAN1 (spectrin alpha, non-erythrocytic 1; plus strand). Cytogenetic location: 9q34.11.
Variant type: single nucleotide variant.
Coding change: c.5128G>A on transcript NM_001130438.3 (MANE Select); coding-DNA position 5128, G replaced by A.
Protein change: p.Ala1710Thr; replaces alanine 1710 with threonine.
Molecular consequence: missense variant.
Genome position (GRCh38, 1-based): chr9:128,613,465, G>A. VCF-style: chr9-128613465-G-A. GRCh37 (hg19) VCF-style: chr9-131375744-G-A.
Other names: c.5128G>A (NM_001130438.2); c.5053G>A, p.Ala1685Thr (NM_001195532.2); c.5128G>A, p.Ala1710Thr (NM_001363759.2, NM_001375310.1, NM_001375311.2 and 1 more transcripts); c.5068G>A, p.Ala1690Thr (NM_001363765.2, NM_001375314.2); c.5164G>A, p.Ala1722Thr (NM_001375312.2, NM_001375318.1); c.5113G>A, p.Ala1705Thr (NM_003127.4); short protein forms A1685T, A1705T, A1722T, A1690T, A1710T.
Identifiers: ClinVar variation 2130694 (VCV002130694.5), dbSNP rs2541860450, ClinGen allele CA375072928.